The following is an entry in ClinVar:

ClinVar aggregate classification (germline): Uncertain significance (1 of 4 stars; one submission).

Conditions:
Hereditary cancer-predisposing syndrome. Also called: Hereditary Cancer Syndrome; Neoplastic Syndromes, Hereditary; Tumor predisposition; Hereditary neoplastic syndrome. Identifiers: Orphanet 140162, MedGen C0027672, MeSH D009386, MONDO:0015356.

Submission:

Ambry Genetics
Classification: Uncertain significance for Hereditary cancer-predisposing syndrome. Last evaluated: 2024-09-23. Review status: criteria provided, single submitter. Criteria: Ambry Variant Classification Scheme 2023. Collection method: clinical testing. Allele origin: germline.
Comment: The c.-4A>T variant is located in the 5' untranslated region (5&rsquo; UTR) of the SDHA gene. This variant results from an A to T substitution 4 bases upstream from the first translated codon. This nucleotide position is not well conserved in available vertebrate species. Based on the available evidence, the clinical significance of this variant remains unclear.

NM_004168.4(SDHA):c.-4A>T

Gene: SDHA (succinate dehydrogenase complex flavoprotein subunit A; plus strand). Cytogenetic location: 5p15.33.
Variant type: single nucleotide variant.
Coding change: c.-4A>T on transcript NM_004168.4 (MANE Select); 4 bases upstream of the start codon, A replaced by T.
Molecular consequence: 5 prime UTR variant.
Genome position (GRCh38, 1-based): chr5:218,352, A>T. VCF-style: chr5-218352-A-T. GRCh37 (hg19) VCF-style: chr5-218467-A-T.
Other names: c.-4A>T (NM_001294332.2, NM_001330758.2).
Identifiers: ClinVar variation 1744685 (VCV001744685.3), dbSNP rs377134185, ClinGen allele CA557111164.
Genomic context (GRCh38, chr5:218,352, plus strand): 5'-CGGTGTGGTGCGCAGGCGCAGTCTGCGCAGGGACTGGCGGGACTGCGCGGCGGCAACAGC[A>T]GACATGTCGGGGGTCCGGGGCCTGTCGCGGCTGCTGAGCGCTCGGCGCCTGGCGCTGGCC-3'